The following is an entry in ClinVar:

NM_004260.4(RECQL4):c.1969_2017delinsC (p.Ala657_Asn673delinsHis)

Gene: RECQL4 (RecQ like helicase 4; minus strand). Cytogenetic location: 8q24.3.
Variant type: Indel.
Coding change: c.1969_2017delinsC on transcript NM_004260.4 (MANE Select); coding-DNA positions 1969 to 2017, the reference bases replaced by C.
Protein change: p.Ala657_Asn673delinsHis.
Molecular consequence: inframe indel.
Genome position (GRCh38, 1-based): chr8:144,513,969-144,514,017, 49 bases replaced. GRCh37 (hg19): chr8:145,739,353-145,739,401.
Identifiers: ClinVar variation 970873 (VCV000970873.5), dbSNP rs1827771929, ClinGen allele CA1139660836.
Genomic context (GRCh38, chr8:144,513,969, plus strand): 5'-CCAGAGCACACACACCCACCTGGTCTGTGTCCCTGTCCATGGACACGGAAAGGTGCAGGT[TGGTGGGAACTGGGGCTGGCCCGTGGAGGTCAGGCTCTTCAGCCACAGC>G]CAGGTGCTGTGCCACGTCACTGGCAGTGCGGCGTGTGGCTGTGGCTGTGAGGCCCAGGAA-3'

ClinVar aggregate classification (germline): Uncertain significance (1 of 4 stars; one submission).

Conditions:
Baller-Gerold syndrome (BGS). Also called: CRANIOSYNOSTOSIS WITH RADIAL DEFECTS. Identifiers: Orphanet 1225, MedGen C0265308, MONDO:0009039, OMIM 218600.

Submission:

Labcorp Genetics (formerly Invitae), Labcorp
Classification: Uncertain significance for Baller-Gerold syndrome. Last evaluated: 2019-07-22. Review status: criteria provided, single submitter. Criteria: Invitae Variant Classification Sherloc (09022015). Collection method: clinical testing. Allele origin: germline.
Comment: In summary, the available evidence is currently insufficient to determine the role of this variant in disease. Therefore, it has been classified as a Variant of Uncertain Significance. Experimental studies and prediction algorithms are not available or were not evaluated for this variant, and the functional significance of the affected amino acid(s) is currently unknown. This variant has not been reported in the literature in individuals with RECQL4-related conditions. This variant is not present in population databases (ExAC no frequency). This variant, c.1969_2017delinsC, results in the deletion of 17 amino acids and insertion of a histidine residue in the RECQL4 protein (p.Ala657_Asn673delinsHis), but otherwise preserves the integrity of the reading frame.